The following is an entry in ClinVar:

NM_001360016.2(G6PD):c.-43C>T

Genes: G6PD (glucose-6-phosphate dehydrogenase; minus strand), IKBKG (inhibitor of nuclear factor kappa B kinase regulatory subunit gamma; plus strand), LOC107181288 (origin of replication in promoter of G6PD; plus strand), LOC129929052 (ATAC-STARR-seq lymphoblastoid silent region 21114; plus strand). Cytogenetic location: Xq28.
Variant type: single nucleotide variant.
Coding change: c.-43C>T on transcript NM_001360016.2 (MANE Select); 43 bases upstream of the start codon, C replaced by T.
Molecular consequence: 5 prime UTR variant. On other transcripts: synonymous variant (1), intron variant (5).
Genome position (GRCh38, 1-based): chrX:154,546,823, G>A on the plus strand (C>T on the coding strand, the complement: G6PD is on the minus strand). VCF-style: chrX-154546823-G-A. GRCh37 (hg19) VCF-style: chrX-153775038-G-A.
Other names: c.48C>T, p.Gly16= (NM_000402.4); c.-9+645C>T (NM_001042351.3); c.-15-5165G>A (NM_001377312.1, NM_001377313.1); c.189+4371G>A (NM_001099856.6); c.-16+4436G>A (NM_001321396.3).
Identifiers: ClinVar variation 3250643 (VCV003250643.18), dbSNP rs782700083.

ClinVar aggregate classification (germline): Likely benign. Review status: criteria provided, multiple submitters, no conflicts (2 of 4 stars). 2 submissions from 2 submitters: Likely benign (2). Last evaluated 2024-06-01.

Allele frequency attached by ClinVar (database versions not stated): ExAC 0.00012; gnomAD 0.00002; TOPMed 0.00001; gnomAD exomes 0.00002.
gnomAD v4.1: 24 of 1,158,568 alleles (0.0021%); highest among the groups gnomAD compares: Middle Eastern, 0.4%; no homozygotes.

Submissions (2):

CeGaT Center for Human Genetics Tuebingen
Classification: Likely benign. Last evaluated: 2024-06-01. Review status: criteria provided, single submitter. Criteria: CeGaT Center For Human Genetics Tuebingen Variant Classification Criteria Version 2. Collection method: clinical testing. Allele origin: germline. Affected: yes. Observed: 1 variant allele.
Comment: G6PD: BP4, BP7

Blueprint Genetics
Classification: Likely benign. Last evaluated: 2023-01-04. Review status: criteria provided, single submitter. Criteria: ACMG Guidelines, 2015. Collection method: clinical testing. Allele origin: germline.